The following is an entry in ClinVar:

ClinVar aggregate classification (germline): Benign/Likely benign. Review status: criteria provided, multiple submitters, no conflicts (2 of 4 stars). 3 submissions from 3 submitters: Benign (2); Likely benign (1). Last evaluated 2025-12-19.

Conditions:
MGAT2-congenital disorder of glycosylation. Also called: Congenital disorder of glycosylation, type IIa; MENTAL RETARDATION, GROWTH RETARDATION, PROMINENT COLUMELLA, AND OPEN MOUTH; Alkuraya syndrome; CDG IIa; MGAT2-CDG. Identifiers: Orphanet 79329, MedGen C2931008, MONDO:0008908, OMIM 212066.

Allele frequency attached by ClinVar (database versions not stated): ESP Exome Variant Server 0.00046; gnomAD 0.00051 and 0.00094; TOPMed 0.00056; gnomAD exomes 0.00144 and 0.00185; ExAC 0.00199; 1000 Genomes Project 30x 0.00328; 1000 Genomes Project 0.00379.

Submissions (3):

Labcorp Genetics (formerly Invitae), Labcorp
Classification: Benign for MGAT2-congenital disorder of glycosylation. Last evaluated: 2025-12-19. Review status: criteria provided, single submitter. Criteria: Invitae Variant Classification Sherloc (09022015). Collection method: clinical testing. Allele origin: germline.

Illumina Laboratory Services, Illumina
Classification: Likely benign for MGAT2-congenital disorder of glycosylation. Last evaluated: 2018-01-13. Review status: criteria provided, single submitter. Criteria: ICSL Variant Classification Criteria 13 December 2019. Collection method: clinical testing. Allele origin: germline.
Comment: This variant was observed in the ICSL laboratory as part of a predisposition screen in an ostensibly healthy population. It had not been previously curated by ICSL or reported in the Human Gene Mutation Database (HGMD: prior to June 1st, 2018), and was therefore a candidate for classification through an automated scoring system. Utilizing variant allele frequency, disease prevalence and penetrance estimates, and inheritance mode, an automated score was calculated to assess if this variant is too frequent to cause the disease. Based on the score and internal cut-off values, a variant classified as likely benign is not then subjected to further curation. The score for this variant resulted in a classification of likely benign for this disease.

GeneDx
Classification: Benign. Last evaluated: 2016-08-08. Review status: criteria provided, single submitter. Criteria: GeneDx Variant Classification (06012015). Collection method: clinical testing. Allele origin: germline. Affected: yes.
Comment: This variant is considered likely benign or benign based on one or more of the following criteria: it is a conservative change, it occurs at a poorly conserved position in the protein, it is predicted to be benign by multiple in silico algorithms, and/or has population frequency not consistent with disease.

NM_002408.4(MGAT2):c.609T>C (p.Asn203=)

Gene: MGAT2 (alpha-1,6-mannosyl-glycoprotein 2-beta-N-acetylglucosaminyltransferase; plus strand). Cytogenetic location: 14q21.3.
Variant type: single nucleotide variant.
Coding change: c.609T>C on transcript NM_002408.4 (MANE Select); coding-DNA position 609, T replaced by C.
Protein change: p.Asn203=; no amino-acid change (asparagine 203 retained).
Molecular consequence: synonymous variant.
Genome position (GRCh38, 1-based): chr14:49,621,877, T>C. VCF-style: chr14-49621877-T-C. GRCh37 (hg19) VCF-style: chr14-50088595-T-C.
Identifiers: ClinVar variation 385677 (VCV000385677.17), dbSNP rs147375948, ClinGen allele CA7172582.
Genomic context (GRCh38, chr14:49,621,877, plus strand): 5'-GTACCCTAACGAGTTTCCAGGTAGTGACCCTAGAGATTGTCCCAGAGACCTGCCGAAGAA[T>C]GCCGCTTTGAAATTGGGGTGCATCAATGCTGAGTATCCCGACTCCTTCGGCCATTATAGA-3'
Protein context (NP_002399.1, residues 193-213): PRDCPRDLPK[Asn203=]AALKLGCINA